The following is an entry in ClinVar:

ClinVar aggregate classification (germline): Conflicting classifications of pathogenicity. Review status: criteria provided, conflicting classifications (1 of 4 stars). 7 submissions from 7 submitters: Uncertain significance (1); Benign (2); Likely benign (3). 1 of the submissions does not count toward it. Last evaluated 2026-01-17.

Conditions:
OPA1-related disorder. Also called: OPA1-related condition; OPA1-related disorders.
Autosomal dominant optic atrophy classic form (OPA1). Also called: KJER-TYPE OPTIC ATROPHY; Optic Atrophy Type 1; OPTIC ATROPHY, JUVENILE. Identifiers: Orphanet 98673, MedGen C0338508, MONDO:0008134, OMIM 165500.

Allele frequency attached by ClinVar (database versions not stated): ESP Exome Variant Server 0.00015; ExAC 0.00016; gnomAD exomes 0.00017; gnomAD 0.00019 and 0.00020; TOPMed 0.00022; 1000 Genomes Project 0.00040; 1000 Genomes Project 30x 0.00047.
gnomAD v4.1: 315 of 1,614,096 alleles (0.02%); highest among the groups gnomAD compares: Admixed American, 0.062%; no homozygotes.

Submissions (7):

Labcorp Genetics (formerly Invitae), Labcorp
Classification: Likely benign. Last evaluated: 2026-01-17. Review status: criteria provided, single submitter. Criteria: Invitae Variant Classification Sherloc (09022015). Collection method: clinical testing. Allele origin: germline.

Blueprint Genetics
Classification: Likely benign. Last evaluated: 2024-11-04. Review status: criteria provided, single submitter. Criteria: ACMG Guidelines, 2015. Collection method: clinical testing. Allele origin: germline.

Athena Diagnostics
Classification: Benign. Last evaluated: 2024-09-16. Review status: criteria provided, single submitter. Criteria: Athena Diagnostics Criteria. Collection method: clinical testing. Allele origin: unknown.

CeGaT Center for Human Genetics Tuebingen
Classification: Likely benign. Last evaluated: 2021-11-01. Review status: criteria provided, single submitter. Criteria: CeGaT Center For Human Genetics Tuebingen Variant Classification Criteria Version 2. Collection method: clinical testing. Allele origin: germline. Affected: yes. Observed: 2 variant alleles.

Illumina Laboratory Services, Illumina
Classification: Uncertain significance for Autosomal dominant optic atrophy classic form. Last evaluated: 2018-01-13. Review status: criteria provided, single submitter. Criteria: ICSL Variant Classification Criteria 13 December 2019. Collection method: clinical testing. Allele origin: germline.

GeneDx
Classification: Benign. Last evaluated: 2014-12-09. Review status: criteria provided, single submitter. Criteria: GeneDx Variant Classification (06012015). Collection method: clinical testing. Allele origin: germline. Affected: yes.
Comment: This variant is considered likely benign or benign based on one or more of the following criteria: it is a conservative change, it occurs at a poorly conserved position in the protein, it is predicted to be benign by multiple in silico algorithms, and/or has population frequency not consistent with disease.

PreventionGenetics, part of Exact Sciences
Classification: Likely benign for OPA1-related condition. Last evaluated: 2020-03-02. Review status: no assertion criteria provided. Collection method: clinical testing. Allele origin: germline. Not counted in ClinVar's aggregate classification.
Comment: This variant is classified as likely benign based on ACMG/AMP sequence variant interpretation guidelines (Richards et al. 2015 PMID: 25741868, with internal and published modifications).

NM_130837.3(OPA1):c.88C>T (p.Leu30=)

Gene: OPA1 (OPA1 mitochondrial dynamin like GTPase; plus strand). Cytogenetic location: 3q29.
Variant type: single nucleotide variant.
Coding change: c.88C>T on transcript NM_130837.3 (MANE Select); coding-DNA position 88, C replaced by T.
Protein change: p.Leu30=; no amino-acid change (leucine 30 retained).
Molecular consequence: synonymous variant. On other transcripts: 5 prime UTR variant (2).
Genome position (GRCh38, 1-based): chr3:193,614,778, C>T. VCF-style: chr3-193614778-C-T. GRCh37 (hg19) VCF-style: chr3-193332567-C-T.
Other names: c.-285C>T (NM_001354663.2, NM_001354664.2); c.88C>T, p.Leu30= (NM_015560.3, NM_130831.3, NM_130832.3 and 4 more transcripts); c.88C>T (NM_130837.2).
Identifiers: ClinVar variation 214888 (VCV000214888.57), dbSNP rs185976555, ClinGen allele CA323113.